The following is an entry in ClinVar:

ClinVar aggregate classification (germline): Uncertain significance (1 of 4 stars; one submission).

Allele frequency attached by ClinVar (database versions not stated): gnomAD exomes below 0.00001 and 0.00001; ExAC 0.00001.
gnomAD v4.1: 6 of 1,614,206 alleles (0.00037%); highest among the groups gnomAD compares: Non-Finnish European, 0.00042%; no homozygotes.

Submission:

GeneDx
Classification: Uncertain significance. Last evaluated: 2019-12-03. Review status: criteria provided, single submitter. Criteria: GeneDx Variant Classification Process June 2021. Collection method: clinical testing. Allele origin: germline. Affected: yes.
Comment: Not observed at a significant frequency in large population cohorts (Lek et al., 2016); In silico analysis, which includes protein predictors and evolutionary conservation, supports that this variant does not alter protein structure/function; Has not been previously published as pathogenic or benign to our knowledge

NM_005670.4(EPM2A):c.989G>T (p.Ser330Ile)

Gene: EPM2A (EPM2A glucan phosphatase, laforin; minus strand). Cytogenetic location: 6q24.3.
Variant type: single nucleotide variant.
Coding change: c.989G>T on transcript NM_005670.4 (MANE Select); coding-DNA position 989, G replaced by T.
Protein change: p.Ser330Ile; replaces serine 330 with isoleucine.
Molecular consequence: missense variant. On other transcripts: 3 prime UTR variant (1), non-coding transcript variant (1), intron variant (1).
Genome position (GRCh38, 1-based): chr6:145,627,423, C>A on the plus strand (G>T on the coding strand, the complement: EPM2A is on the minus strand). VCF-style: chr6-145627423-C-A. GRCh37 (hg19) VCF-style: chr6-145948559-C-A.
Other names: c.*72G>T (NM_001360057.2); c.575G>T, p.Ser192Ile (NM_001360064.2, NM_001360071.2, NM_001368131.1); c.527G>T, p.Ser176Ile (NM_001368129.2, NM_001368132.1); c.924+65G>T (NM_001018041.2); short protein forms S176I, S192I, S330I.
Identifiers: ClinVar variation 1310726 (VCV001310726.2), dbSNP rs754691516, ClinGen allele CA4035026.